The following is an entry in ClinVar:

NM_001128840.3(CACNA1D):c.3835G>A (p.Gly1279Ser)

Gene: CACNA1D (calcium voltage-gated channel subunit alpha1 D; plus strand). Cytogenetic location: 3p21.1.
Variant type: single nucleotide variant.
Coding change: c.3835G>A on transcript NM_001128840.3 (MANE Select); coding-DNA position 3835, G replaced by A.
Protein change: p.Gly1279Ser; replaces glycine 1279 with serine.
Molecular consequence: missense variant.
Genome position (GRCh38, 1-based): chr3:53,762,046, G>A. VCF-style: chr3-53762046-G-A. GRCh37 (hg19) VCF-style: chr3-53796073-G-A.
Other names: c.3895G>A, p.Gly1299Ser (NM_000720.4); c.3835G>A, p.Gly1279Ser (NM_001128839.3); short protein forms G1279S, G1299S.
Identifiers: ClinVar variation 3681380 (VCV003681380.2).

ClinVar aggregate classification (germline): Uncertain significance (1 of 4 stars; one submission).

gnomAD v4.1: 1 of 1,613,796 alleles (0.000062%); no homozygotes.

Submission:

Labcorp Genetics (formerly Invitae), Labcorp
Classification: Uncertain significance. Last evaluated: 2024-10-05. Review status: criteria provided, single submitter. Criteria: Invitae Variant Classification Sherloc (09022015). Collection method: clinical testing. Allele origin: germline.
Comment: This sequence change replaces glycine, which is neutral and non-polar, with serine, which is neutral and polar, at codon 1299 of the CACNA1D protein (p.Gly1299Ser). This variant is not present in population databases (gnomAD no frequency). This variant has not been reported in the literature in individuals affected with CACNA1D-related conditions. Invitae Evidence Modeling of protein sequence and biophysical properties (such as structural, functional, and spatial information, amino acid conservation, physicochemical variation, residue mobility, and thermodynamic stability) indicates that this missense variant is expected to disrupt CACNA1D protein function with a positive predictive value of 80%. In summary, the available evidence is currently insufficient to determine the role of this variant in disease. Therefore, it has been classified as a Variant of Uncertain Significance.